The following is an entry in ClinVar:

NM_016243.3(CYB5R1):c.315G>A (p.Glu105=)

Gene: CYB5R1 (cytochrome b5 reductase 1; minus strand). Cytogenetic location: 1q32.1.
Variant type: single nucleotide variant.
Coding change: c.315G>A on transcript NM_016243.3 (MANE Select); coding-DNA position 315, G replaced by A.
Protein change: p.Glu105=; no amino-acid change (glutamic acid 105 retained).
Molecular consequence: synonymous variant.
Genome position (GRCh38, 1-based): chr1:202,965,917, C>T on the plus strand (G>A on the coding strand, the complement: CYB5R1 is on the minus strand). VCF-style: chr1-202965917-C-T. GRCh37 (hg19) VCF-style: chr1-202935045-C-T.
Identifiers: ClinVar variation 4823788 (VCV004823788.4).
Genomic context (GRCh38, chr1:202,965,917, plus strand): 5'-CAGCCCCTGGGTCCCTTCCTAGCCCCTTACCTTGATGACAAGATCCACATAGCCTTGATC[C>T]TCATCACTGGTGACAGGAGTGTATGGCCTGATGACCAGGCTGCCATCAATTCGGGTGGAG-3'
Protein context (NP_057327.2, residues 95-115): IRPYTPVTSD[Glu105=]DQGYVDLVIK

ClinVar aggregate classification (germline): Likely benign (1 of 4 stars; one submission).

gnomAD v4.1: 2 of 1,613,766 alleles (0.00012%); highest among the groups gnomAD compares: Non-Finnish European, 0.00017%; no homozygotes.

Submission:

CeGaT Center for Human Genetics Tuebingen
Classification: Likely benign. Last evaluated: 2026-03-01. Review status: criteria provided, single submitter. Criteria: CeGaT Center For Human Genetics Tuebingen Variant Classification Criteria Version 2. Collection method: clinical testing. Allele origin: germline. Affected: yes. Observed: 1 variant allele.
Comment: CYB5R1: BP4, BP7